The following is an entry in ClinVar:

NM_003073.5(SMARCB1):c.867dup (p.Pro290fs)

Gene: SMARCB1 (SWI/SNF related BAF chromatin remodeling complex subunit B1; plus strand). Cytogenetic location: 22q11.23.
Variant type: Duplication.
Coding change: c.867dup on transcript NM_003073.5 (MANE Select); coding-DNA position 867, one base duplicated (A; older notation c.867dupA).
Protein change: p.Pro290fs; shifts the reading frame from proline 290.
Molecular consequence: frameshift variant.
Genome position (GRCh38, 1-based): chr22:23,825,296, A duplicated. VCF-style (leftmost placement, unchanged base first): chr22-23825295-C-CA. GRCh37 (hg19) VCF-style: chr22-24167482-C-CA.
Other names: c.840dup, p.Pro281fs (NM_001007468.3); c.894dup, p.Pro299fs (NM_001317946.2); c.921dup, p.Pro308fs (NM_001362877.2); short protein forms P281fs, P290fs, P299fs, P308fs.
Identifiers: ClinVar variation 4759318 (VCV004759318.1).

ClinVar aggregate classification (germline): Likely pathogenic (1 of 4 stars; one submission).

Conditions:
Hereditary cancer-predisposing syndrome. Also called: Neoplastic Syndromes, Hereditary; Hereditary neoplastic syndrome; Tumor predisposition; Hereditary Cancer Syndrome. Identifiers: Orphanet 140162, MedGen C0027672, MeSH D009386, MONDO:0015356.

Submission:

Institute for Genomic Medicine (IGM) Clinical Laboratory, Nationwide Children's Hospital
Classification: Likely pathogenic for Hereditary cancer-predisposing syndrome. Last evaluated: 2023-05-01. Review status: criteria provided, single submitter. Criteria: ACMG Guidelines, 2015. Collection method: clinical testing. Allele origin: germline.
Comment: This variant is predicted to result in loss of function through nonsense-mediated decay of the encoded transcript or premature truncation of the encoded protein in a gene in which loss of function is a known mechanism of disease (ACMG/AMP: PVS1). This variant is absent from or present at an exceedingly low frequency in gnomAD, a large-scale control population database (ACMG/AMP: PM2).